The following is an entry in ClinVar:

NM_000065.5(C6):c.473G>A (p.Cys158Tyr)

Gene: C6 (complement C6; minus strand). Cytogenetic location: 5p13.1.
Variant type: single nucleotide variant.
Coding change: c.473G>A on transcript NM_000065.5 (MANE Select); coding-DNA position 473, G replaced by A.
Protein change: p.Cys158Tyr; replaces cysteine 158 with tyrosine.
Molecular consequence: missense variant.
Genome position (GRCh38, 1-based): chr5:41,195,906, C>T on the plus strand (G>A on the coding strand, the complement: C6 is on the minus strand). VCF-style: chr5-41195906-C-T. GRCh37 (hg19) VCF-style: chr5-41196008-C-T.
Other names: c.473G>A, p.Cys158Tyr (NM_001115131.4); short protein forms C158Y.
Identifiers: ClinVar variation 1952957 (VCV001952957.2), dbSNP rs762307673, ClinGen allele CA3252768.

ClinVar aggregate classification (germline): Uncertain significance (1 of 4 stars; one submission).

Allele frequency attached by ClinVar (database versions not stated): ExAC 0.00001; gnomAD exomes 0.00001; TOPMed 0.00001.
gnomAD v4.1: 5 of 1,613,972 alleles (0.00031%); highest among the groups gnomAD compares: Admixed American, 0.0017%; no homozygotes.

Submission:

Labcorp Genetics (formerly Invitae), Labcorp
Classification: Uncertain significance. Last evaluated: 2022-09-07. Review status: criteria provided, single submitter. Criteria: Invitae Variant Classification Sherloc (09022015). Collection method: clinical testing. Allele origin: germline.
Comment: This sequence change replaces cysteine, which is neutral and slightly polar, with tyrosine, which is neutral and polar, at codon 158 of the C6 protein (p.Cys158Tyr). This variant is present in population databases (rs762307673, gnomAD 0.003%). This variant has not been reported in the literature in individuals affected with C6-related conditions. Algorithms developed to predict the effect of missense changes on protein structure and function are either unavailable or do not agree on the potential impact of this missense change (SIFT: "Deleterious"; PolyPhen-2: "Probably Damaging"; Align-GVGD: "Class C0"). In summary, the available evidence is currently insufficient to determine the role of this variant in disease. Therefore, it has been classified as a Variant of Uncertain Significance.